The following is an entry in ClinVar:

NM_001922.5(DCT):c.1321A>G (p.Asn441Asp)

Gene: DCT (dopachrome tautomerase; minus strand). Cytogenetic location: 13q32.1.
Variant type: single nucleotide variant.
Coding change: c.1321A>G on transcript NM_001922.5 (MANE Select); coding-DNA position 1321, A replaced by G.
Protein change: p.Asn441Asp; replaces asparagine 441 with aspartic acid.
Molecular consequence: missense variant.
Genome position (GRCh38, 1-based): chr13:94,443,496, T>C on the plus strand (A>G on the coding strand, the complement: DCT is on the minus strand). VCF-style: chr13-94443496-T-C. GRCh37 (hg19) VCF-style: chr13-95095750-T-C.
Other names: c.1420A>G, p.Asn474Asp (NM_001129889.3); c.388A>G, p.Asn130Asp (NM_001322182.2, NM_001322183.2, NM_001322184.2 and 1 more transcripts); c.1132A>G, p.Asn378Asp (NM_001322186.2); short protein forms N130D, N378D, N441D, N474D.
Identifiers: ClinVar variation 3363891 (VCV003363891.1).

ClinVar aggregate classification (germline): Uncertain significance (1 of 4 stars; one submission).

gnomAD v4.1: 10 of 1,613,946 alleles (0.00062%); highest among the groups gnomAD compares: South Asian, 0.0077%; 1 homozygote.

Submission:

GeneDx
Classification: Uncertain significance. Last evaluated: 2023-11-17. Review status: criteria provided, single submitter. Criteria: GeneDx Variant Classification Process June 2021. Collection method: clinical testing. Allele origin: germline. Affected: yes.
Comment: Has not been previously published as pathogenic or benign to our knowledge; In silico analysis supports that this missense variant has a deleterious effect on protein structure/function